The following is an entry in ClinVar:

ClinVar aggregate classification (germline): Uncertain significance (1 of 4 stars; one submission).

Conditions:
Familial hemiplegic migraine. Identifiers: MedGen C0338484, MONDO:0000700.

Submission:

Labcorp Genetics (formerly Invitae), Labcorp
Classification: Uncertain significance for Familial hemiplegic migraine. Last evaluated: 2021-08-29. Review status: criteria provided, single submitter. Criteria: Invitae Variant Classification Sherloc (09022015). Collection method: clinical testing. Allele origin: germline.
Comment: In summary, the available evidence is currently insufficient to determine the role of this variant in disease. Therefore, it has been classified as a Variant of Uncertain Significance. This sequence change replaces methionine with valine at codon 468 of the ATP1A2 protein (p.Met468Val). The methionine residue is highly conserved and there is a small physicochemical difference between methionine and valine. This variant is not present in population databases (ExAC no frequency). This variant has not been reported in the literature in individuals affected with ATP1A2-related conditions. Advanced modeling of protein sequence and biophysical properties (such as structural, functional, and spatial information, amino acid conservation, physicochemical variation, residue mobility, and thermodynamic stability) performed at Invitae indicates that this missense variant is not expected to disrupt ATP1A2 protein function. Algorithms developed to predict the effect of sequence changes on RNA splicing suggest that this variant may create or strengthen a splice site.

NM_000702.4(ATP1A2):c.1402A>G (p.Met468Val)

Gene: ATP1A2 (ATPase Na+/K+ transporting subunit alpha 2; plus strand). Cytogenetic location: 1q23.2.
Variant type: single nucleotide variant.
Coding change: c.1402A>G on transcript NM_000702.4 (MANE Select); coding-DNA position 1402, A replaced by G.
Protein change: p.Met468Val; replaces methionine 468 with valine.
Molecular consequence: missense variant.
Genome position (GRCh38, 1-based): chr1:160,129,341, A>G. VCF-style: chr1-160129341-A-G. GRCh37 (hg19) VCF-style: chr1-160099131-A-G.
Other names: short protein forms M468V.
Identifiers: ClinVar variation 1425949 (VCV001425949.6), dbSNP rs2101989788, ClinGen allele CA343242082.
Genomic context (GRCh38, chr1:160,129,341, plus strand): 5'-GATGCCTCTGAGTCAGCTCTGCTCAAGTGCATTGAGCTCTCCTGTGGCTCAGTGAGGAAA[A>G]TGAGAGACAGAAACCCCAAGGTGGCAGAGATTCCTTTCAACTCTACCAACAAGTACCAGG-3'
Protein context (NP_000693.1, residues 458-478): IELSCGSVRK[Met468Val]RDRNPKVAEI